The following is an entry in ClinVar:

ClinVar aggregate classification (germline): Uncertain significance. Review status: criteria provided, multiple submitters, no conflicts (2 of 4 stars). 3 submissions from 3 submitters: Uncertain significance (3). Last evaluated 2024-01-15.

Conditions:
RASopathy. Also called: rasopathies; Noonan spectrum disorder. Identifiers: Orphanet 536391, MedGen C5555857, MONDO:0021060.
Cardiovascular phenotype. Identifiers: MedGen CN230736.

gnomAD v4.1: 4 of 1,613,964 alleles (0.00025%); highest among the groups gnomAD compares: Non-Finnish European, 0.00034%; no homozygotes.

Submissions (3):

Ambry Genetics
Classification: Uncertain significance for Cardiovascular phenotype. Last evaluated: 2024-01-15. Review status: criteria provided, single submitter. Criteria: Ambry Variant Classification Scheme 2023. Collection method: clinical testing. Allele origin: germline.
Comment: The p.P451A variant (also known as c.1351C>G), located in coding exon 9 of the CBL gene, results from a C to G substitution at nucleotide position 1351. The proline at codon 451 is replaced by alanine, an amino acid with highly similar properties. This amino acid position is conserved. In addition, this alteration is predicted to be tolerated by in silico analysis. Since supporting evidence is limited at this time, the clinical significance of this alteration remains unclear.

Labcorp Genetics (formerly Invitae), Labcorp
Classification: Uncertain significance for RASopathy. Last evaluated: 2023-11-18. Review status: criteria provided, single submitter. Criteria: Invitae Variant Classification Sherloc (09022015). Collection method: clinical testing. Allele origin: germline.
Comment: This sequence change replaces proline, which is neutral and non-polar, with alanine, which is neutral and non-polar, at codon 451 of the CBL protein (p.Pro451Ala). This variant is not present in population databases (gnomAD no frequency). This variant has not been reported in the literature in individuals affected with CBL-related conditions. ClinVar contains an entry for this variant (Variation ID: 280001). Advanced modeling of protein sequence and biophysical properties (such as structural, functional, and spatial information, amino acid conservation, physicochemical variation, residue mobility, and thermodynamic stability) performed at Invitae indicates that this missense variant is not expected to disrupt CBL protein function with a negative predictive value of 95%. In summary, the available evidence is currently insufficient to determine the role of this variant in disease. Therefore, it has been classified as a Variant of Uncertain Significance.

GeneDx
Classification: Uncertain significance. Last evaluated: 2023-08-08. Review status: criteria provided, single submitter. Criteria: GeneDx Variant Classification Process June 2021. Collection method: clinical testing. Allele origin: germline. Affected: yes.
Comment: Not observed at significant frequency in large population cohorts (gnomAD); In silico analysis supports that this missense variant does not alter protein structure/function; Has not been previously published as pathogenic or benign to our knowledge; This variant is associated with the following publications: (PMID: 20619386)

NM_005188.4(CBL):c.1351C>G (p.Pro451Ala)

Gene: CBL (Cbl proto-oncogene; plus strand). Cytogenetic location: 11q23.3.
Variant type: single nucleotide variant.
Coding change: c.1351C>G on transcript NM_005188.4 (MANE Select); coding-DNA position 1351, C replaced by G.
Protein change: p.Pro451Ala; replaces proline 451 with alanine.
Molecular consequence: missense variant.
Genome position (GRCh38, 1-based): chr11:119,278,633, C>G. VCF-style: chr11-119278633-C-G. GRCh37 (hg19) VCF-style: chr11-119149343-C-G.
Other names: short protein forms P451A.
Identifiers: ClinVar variation 280001 (VCV000280001.8), dbSNP rs886041313, ClinGen allele CA10603179.